The following is an entry in ClinVar:

ClinVar aggregate classification (germline): Uncertain significance (1 of 4 stars; one submission).

Conditions:
PDE3A-related disorder. Also called: PDE3A-related condition.

gnomAD v4.1: 1 of 1,612,220 alleles (0.000062%); highest among the groups gnomAD compares: Non-Finnish European, 0.000085%; no homozygotes.

Submission:

PreventionGenetics, part of Exact Sciences
Classification: Uncertain significance for PDE3A-related condition. Last evaluated: 2022-08-25. Review status: criteria provided, single submitter. Criteria: ACMG Guidelines, 2015. Collection method: clinical testing. Allele origin: germline.
Comment: The PDE3A c.454C>A variant is predicted to result in the amino acid substitution p.Arg152Ser. To our knowledge, this variant has not been reported in the literature or in a large population database, indicating this variant is rare. At this time, the clinical significance of this variant is uncertain due to the absence of conclusive functional and genetic evidence.

NM_000921.5(PDE3A):c.454C>A (p.Arg152Ser)

Genes: PDE3A (phosphodiesterase 3A; plus strand), PDE3A-AS1 (PDE3A antisense RNA 1; minus strand), LOC124625920 (Sharpr-MPRA regulatory region 8059; plus strand). Cytogenetic location: 12p12.2.
Variant type: single nucleotide variant.
Coding change: c.454C>A on transcript NM_000921.5 (MANE Select); coding-DNA position 454, C replaced by A.
Protein change: p.Arg152Ser; replaces arginine 152 with serine.
Molecular consequence: missense variant. On other transcripts: 5 prime UTR variant (1).
Genome position (GRCh38, 1-based): chr12:20,369,738, C>A. VCF-style: chr12-20369738-C-A. GRCh37 (hg19) VCF-style: chr12-20522672-C-A.
Other names: c.454C>A, p.Arg152Ser (NM_001378407.1); c.-575C>A (NM_001378408.1); short protein forms R152S.
Identifiers: ClinVar variation 2636461 (VCV002636461.1), dbSNP rs2120478938, ClinGen allele CA384294241.